The following is an entry in ClinVar:

NM_020631.6(PLEKHG5):c.2150_2154del (p.Glu717fs)

Gene: PLEKHG5 (pleckstrin homology and RhoGEF domain containing G5; minus strand). Cytogenetic location: 1p36.31.
Variant type: Deletion.
Coding change: c.2150_2154del on transcript NM_020631.6 (MANE Select); coding-DNA positions 2150 to 2154, 5 bases deleted (AGGAG; older notation c.2150_2154delAGGAG).
Protein change: p.Glu717fs; shifts the reading frame from glutamic acid 717.
Molecular consequence: frameshift variant.
Genome position (GRCh38, 1-based): chr1:6,469,137-6,469,141, CTCCT deleted on the plus strand (AGGAG on the coding strand, the reverse complement: PLEKHG5 is on the minus strand); deleting any 5 consecutive bases within chr1:6,469,137-6,469,142 gives the same sequence; the c. name uses the placement nearest the transcript's 3' end. VCF-style (leftmost placement, unchanged base first): chr1-6469136-CCTCCT-C. GRCh37 (hg19) VCF-style: chr1-6529196-CCTCCT-C.
Other names: c.2261_2265del, p.Glu754fs (NM_001042663.3, NM_001265592.2); c.2150_2154del, p.Glu717fs (NM_001042664.2, NM_001042665.2, NM_001265594.3 and 1 more transcripts); c.2357_2361del, p.Glu786fs (NM_001265593.2); short protein forms E717fs, E754fs, E786fs.
Identifiers: ClinVar variation 2947865 (VCV002947865.3), dbSNP rs2523130148, ClinGen allele CA2740090576.

ClinVar aggregate classification (germline): Pathogenic (1 of 4 stars; one submission).

Conditions:
Charcot-Marie-Tooth disease recessive intermediate C. Also called: CHARCOT-MARIE-TOOTH NEUROPATHY, RECESSIVE INTERMEDIATE C. Identifiers: Orphanet 369867, MedGen C3809309, MONDO:0014154, OMIM 615376.
Neuronopathy, distal hereditary motor, autosomal recessive 4. Also called: Autosomal recessive lower motor neuron disease with childhood onset; NEUROPATHY, DISTAL HEREDITARY MOTOR, AUTOSOMAL RECESSIVE 4. Identifiers: Orphanet 206580, MedGen C1970211, MONDO:0012608, OMIM 611067.

Submission:

Labcorp Genetics (formerly Invitae), Labcorp
Classification: Pathogenic for Neuronopathy, distal hereditary motor, autosomal recessive 4; Charcot-Marie-Tooth disease recessive intermediate C. Last evaluated: 2023-05-17. Review status: criteria provided, single submitter. Criteria: Invitae Variant Classification Sherloc (09022015). Collection method: clinical testing. Allele origin: germline.
Comment: This sequence change creates a premature translational stop signal (p.Glu717Glyfs*67) in the PLEKHG5 gene. It is expected to result in an absent or disrupted protein product. Loss-of-function variants in PLEKHG5 are known to be pathogenic (PMID: 17564964, 23777631). This variant is not present in population databases (gnomAD no frequency). This variant has not been reported in the literature in individuals affected with PLEKHG5-related conditions. For these reasons, this variant has been classified as Pathogenic.

Literature cited by the submitters: PubMed 17564964; PubMed 23777631.